The following is an entry in ClinVar:

NM_153460.4(IL17RC):c.106-144G>A

Gene: IL17RC (interleukin 17 receptor C; plus strand). Cytogenetic location: 3p25.3.
Variant type: single nucleotide variant.
Coding change: c.106-144G>A on transcript NM_153460.4 (MANE Select); 144 bases into the intron before coding-DNA position 106, G replaced by A.
Molecular consequence: intron variant. On other transcripts: missense variant (1).
Genome position (GRCh38, 1-based): chr3:9,917,569, G>A. VCF-style: chr3-9917569-G-A. GRCh37 (hg19) VCF-style: chr3-9959253-G-A.
Other names: c.254G>A, p.Gly85Glu (NM_153461.4); c.106-144G>A (NM_001203263.2, NM_001203264.2, NM_001367278.1 and 4 more transcripts); c.254G>A (NM_153461.3); short protein forms G85E.
Identifiers: ClinVar variation 1972761 (VCV001972761.6), dbSNP rs1378358931, ClinGen allele CA351754011.

ClinVar aggregate classification (germline): Uncertain significance. Review status: criteria provided, multiple submitters, no conflicts (2 of 4 stars). 2 submissions from 2 submitters: Uncertain significance (2). Last evaluated 2025-08-26.

Conditions:
Candidiasis, familial, 9 (CANDF9). Identifiers: Orphanet 1334, MedGen C4225324, MONDO:0014642, OMIM 616445.

Allele frequency attached by ClinVar (database versions not stated): gnomAD exomes 0.00001; TOPMed 0.00002; gnomAD 0.00004.
gnomAD v4.1: 18 of 1,614,024 alleles (0.0011%); highest among the groups gnomAD compares: African/African-American, 0.0053%; no homozygotes.

Submissions (2):

Ambry Genetics
Classification: Uncertain significance. Last evaluated: 2025-08-26. Review status: criteria provided, single submitter. Criteria: Ambry Variant Classification Scheme 2023. Collection method: clinical testing. Allele origin: germline.

Labcorp Genetics (formerly Invitae), Labcorp
Classification: Uncertain significance for Candidiasis, familial, 9. Last evaluated: 2024-02-24. Review status: criteria provided, single submitter. Criteria: Invitae Variant Classification Sherloc (09022015). Collection method: clinical testing. Allele origin: germline.
Comment: This sequence change replaces glycine, which is neutral and non-polar, with glutamic acid, which is acidic and polar, at codon 85 of the IL17RC protein (p.Gly85Glu). This variant is present in population databases (no rsID available, gnomAD 0.01%). This variant has not been reported in the literature in individuals affected with IL17RC-related conditions. ClinVar contains an entry for this variant (Variation ID: 1972761). An algorithm developed to predict the effect of missense changes on protein structure and function (PolyPhen-2) suggests that this variant is likely to be tolerated. In summary, the available evidence is currently insufficient to determine the role of this variant in disease. Therefore, it has been classified as a Variant of Uncertain Significance.